The following is an entry in ClinVar:

ClinVar aggregate classification (germline): Uncertain significance (1 of 4 stars; one submission).

Submission:

Labcorp Genetics (formerly Invitae), Labcorp
Classification: Uncertain significance. Last evaluated: 2024-10-30. Review status: criteria provided, single submitter. Criteria: Invitae Variant Classification Sherloc (09022015). Collection method: clinical testing. Allele origin: germline.
Comment: This sequence change falls in intron 14 of the MECOM gene. It does not directly change the encoded amino acid sequence of the MECOM protein. Information on the frequency of this variant in the gnomAD database is not available, as this variant may be reported differently in the database. This variant has not been reported in the literature in individuals affected with MECOM-related conditions. Experimental studies and prediction algorithms are not available or were not evaluated, and the effect of this variant on mRNA splicing is currently unknown. In summary, the available evidence is currently insufficient to determine the role of this variant in disease. Therefore, it has been classified as a Variant of Uncertain Significance.

NM_004991.4(MECOM):c.3402-16_3402-15delinsTT

Gene: MECOM (MDS1 and EVI1 complex locus; minus strand). Cytogenetic location: 3q26.2.
Variant type: Indel.
Coding change: c.3402-16_3402-15delinsTT on transcript NM_004991.4 (MANE Select); 16 bases into the intron before coding-DNA position 3402 through 15 bases into the intron before coding-DNA position 3402, CG replaced by TT.
Molecular consequence: intron variant.
Genome position (GRCh38, 1-based): chr3:169,089,198-169,089,199, CG replaced by AA on the plus strand (CG replaced by TT on the coding strand, the reverse complement: MECOM is on the minus strand). VCF-style: chr3-169089198-CG-AA. GRCh37 (hg19) VCF-style: chr3-168806986-CG-AA.
Other names: c.2838-16_2838-15delinsTT (NM_001205194.2, NM_001366469.2, NM_001105078.4 and 1 more transcripts); c.2403-16_2403-15delinsTT (NM_001366473.2); c.3375-16_3375-15delinsTT (NM_001366466.2); c.1839-16_1839-15delinsTT (NM_001366474.2); c.2811-16_2811-15delinsTT (NM_001164000.2, NM_001366471.2, NM_001366472.2); c.2814-16_2814-15delinsTT (NM_001366470.2, NM_001163999.2); c.2841-16_2841-15delinsTT (NM_001366467.2, NM_001366468.2); c.3033-16_3033-15delinsTT (NM_001105077.4).
Identifiers: ClinVar variation 3689936 (VCV003689936.2).